The following is an entry in ClinVar:

ClinVar aggregate classification (germline): Uncertain significance (1 of 4 stars; one submission).

gnomAD v4.1: 2 of 1,551,022 alleles (0.00013%); highest among the groups gnomAD compares: Non-Finnish European, 0.00017%; no homozygotes.

Submission:

GeneDx
Classification: Uncertain significance. Last evaluated: 2024-03-22. Review status: criteria provided, single submitter. Criteria: GeneDx Variant Classification Process June 2021. Collection method: clinical testing. Allele origin: germline. Affected: yes.
Comment: Not observed at significant frequency in large population cohorts (gnomAD); In silico analysis supports that this missense variant does not alter protein structure/function; Has not been previously published as pathogenic or benign to our knowledge

NM_001353345.2(SETD1B):c.1750G>A (p.Glu584Lys)

Gene: SETD1B (SET domain containing 1B, histone lysine methyltransferase; plus strand). Cytogenetic location: 12q24.31.
Variant type: single nucleotide variant.
Coding change: c.1750G>A on transcript NM_001353345.2 (MANE Select); coding-DNA position 1750, G replaced by A.
Protein change: p.Glu584Lys; replaces glutamic acid 584 with lysine.
Molecular consequence: missense variant.
Genome position (GRCh38, 1-based): chr12:121,810,695, G>A. VCF-style: chr12-121810695-G-A. GRCh37 (hg19) VCF-style: chr12-122248601-G-A.
Other names: short protein forms E584K.
Identifiers: ClinVar variation 3342638 (VCV003342638.1).